The following is an entry in ClinVar:

NM_001277308.1(GOLGA8O):c.307T>C (p.Leu103=)

Gene: GOLGA8O (golgin A8 family member O; minus strand). Cytogenetic location: 15q13.3.
Variant type: single nucleotide variant.
Coding change: c.307T>C on transcript NM_001277308.1 (MANE Select); coding-DNA position 307, T replaced by C.
Protein change: p.Leu103=; no amino-acid change (leucine 103 retained).
Molecular consequence: synonymous variant.
Genome position (GRCh38, 1-based): chr15:32,452,493, A>G on the plus strand (T>C on the coding strand, the complement: GOLGA8O is on the minus strand). VCF-style: chr15-32452493-A-G. GRCh37 (hg19) VCF-style: chr15-32744694-A-G.
Identifiers: ClinVar variation 4280893 (VCV004280893.7).

ClinVar aggregate classification (germline): Likely benign (1 of 4 stars; one submission).

Submission:

CeGaT Center for Human Genetics Tuebingen
Classification: Likely benign. Last evaluated: 2026-09-01. Review status: criteria provided, single submitter. Criteria: CeGaT Center For Human Genetics Tuebingen Variant Classification Criteria Version 2. Collection method: clinical testing. Allele origin: germline. Affected: yes. Observed: 2 variant alleles.
Comment: GOLGA8O: BP4, BP7